The following is an entry in ClinVar:

ClinVar aggregate classification (germline): Uncertain significance. Review status: criteria provided, multiple submitters, no conflicts (2 of 4 stars). 2 submissions from 2 submitters: Uncertain significance (2). Last evaluated 2024-02-05.

Conditions:
Landau-Kleffner syndrome (FESD). Also called: EPILEPSY, FOCAL, WITH SPEECH DISORDER AND WITH OR WITHOUT MENTAL RETARDATION; APHASIA, ACQUIRED, WITH EPILEPSY. Identifiers: Orphanet 1945, Orphanet 725, Orphanet 98818, MedGen C0282512, MONDO:0009509, OMIM 245570.

Allele frequency attached by ClinVar (database versions not stated): TOPMed below 0.00001; ExAC 0.00001.

Submissions (2):

GeneDx
Classification: Uncertain significance. Last evaluated: 2024-02-05. Review status: criteria provided, single submitter. Criteria: GeneDx Variant Classification Process June 2021. Collection method: clinical testing. Allele origin: germline. Affected: yes.
Comment: Not observed at significant frequency in large population cohorts (gnomAD); In silico analysis supports that this missense variant has a deleterious effect on protein structure/function; Has not been previously published as pathogenic or benign to our knowledge

Labcorp Genetics (formerly Invitae), Labcorp
Classification: Uncertain significance for Landau-Kleffner syndrome. Last evaluated: 2018-03-24. Review status: criteria provided, single submitter. Criteria: Invitae Variant Classification Sherloc (09022015). Collection method: clinical testing. Allele origin: germline.
Comment: This variant has not been reported in the literature in individuals with GRIN2A-related disease. In summary, the available evidence is currently insufficient to determine the role of this variant in disease. Therefore, it has been classified as a Variant of Uncertain Significance. Algorithms developed to predict the effect of missense changes on protein structure and function do not agree on the potential impact of this missense change (SIFT: "Tolerated"; PolyPhen-2: "Probably Damaging"; Align-GVGD: "Class C0"). This variant is present in population databases (rs754929310, ExAC 0.009%). This sequence change replaces aspartic acid with glutamic acid at codon 815 of the GRIN2A protein (p.Asp815Glu). The aspartic acid residue is highly conserved and there is a small physicochemical difference between aspartic acid and glutamic acid.

NM_001134407.3(GRIN2A):c.2445C>A (p.Asp815Glu)

Gene: GRIN2A (glutamate ionotropic receptor NMDA type subunit 2A; minus strand). Cytogenetic location: 16p13.2.
Variant type: single nucleotide variant.
Coding change: c.2445C>A on transcript NM_001134407.3 (MANE Select); coding-DNA position 2445, C replaced by A.
Protein change: p.Asp815Glu; replaces aspartic acid 815 with glutamic acid.
Molecular consequence: missense variant.
Genome position (GRCh38, 1-based): chr16:9,769,001, G>T on the plus strand (C>A on the coding strand, the complement: GRIN2A is on the minus strand). VCF-style: chr16-9769001-G-T. GRCh37 (hg19) VCF-style: chr16-9862858-G-T.
Other names: c.2445C>A, p.Asp815Glu (NM_000833.5, NM_001134408.2); c.2445C>A (NM_000833.3); short protein forms D815E.
Identifiers: ClinVar variation 580285 (VCV000580285.8), dbSNP rs754929310, ClinGen allele CA7896510.